The following is an entry in ClinVar:

NM_013266.4(CTNNA3):c.2003C>A (p.Ala668Glu)

Gene: CTNNA3 (catenin alpha 3; minus strand). Cytogenetic location: 10q21.3.
Variant type: single nucleotide variant.
Coding change: c.2003C>A on transcript NM_013266.4 (MANE Select); coding-DNA position 2003, C replaced by A.
Protein change: p.Ala668Glu; replaces alanine 668 with glutamic acid.
Molecular consequence: missense variant.
Genome position (GRCh38, 1-based): chr10:66,069,464, G>T on the plus strand (C>A on the coding strand, the complement: CTNNA3 is on the minus strand). VCF-style: chr10-66069464-G-T. GRCh37 (hg19) VCF-style: chr10-67829222-G-T.
Other names: c.2003C>A, p.Ala668Glu (NM_001127384.3); short protein forms A668E.
Identifiers: ClinVar variation 3498319 (VCV003498319.1).

ClinVar aggregate classification (germline): Uncertain significance (1 of 4 stars; one submission).

gnomAD v4.1: 1 of 1,612,406 alleles (0.000062%); highest among the groups gnomAD compares: Non-Finnish European, 0.000085%; no homozygotes.

Submission:

Ambry Genetics
Classification: Uncertain significance. Last evaluated: 2024-11-01. Review status: criteria provided, single submitter. Criteria: Ambry Variant Classification Scheme 2023. Collection method: clinical testing. Allele origin: germline.
Comment: The p.A668E variant (also known as c.2003C>A), located in coding exon 14 of the CTNNA3 gene, results from a C to A substitution at nucleotide position 2003. The alanine at codon 668 is replaced by glutamic acid, an amino acid with dissimilar properties. This amino acid position is conserved. In addition, this alteration is predicted to be tolerated by in silico analysis. Based on the available evidence, the clinical significance of this variant remains unclear.